The following is an entry in ClinVar:

NM_001142800.2(EYS):c.-285A>C

Gene: EYS (eyes shut homolog; minus strand). Cytogenetic location: 6q12.
Variant type: single nucleotide variant.
Coding change: c.-285A>C on transcript NM_001142800.2 (MANE Select); 285 bases upstream of the start codon, A replaced by C.
Molecular consequence: 5 prime UTR variant.
Genome position (GRCh38, 1-based): chr6:65,495,946, T>G on the plus strand (A>C on the coding strand, the complement: EYS is on the minus strand). VCF-style: chr6-65495946-T-G. GRCh37 (hg19) VCF-style: chr6-66205839-T-G.
Other names: c.-285A>C (NM_001142801.2, NM_001292009.2, NM_198283.2).
Identifiers: ClinVar variation 2146589 (VCV002146589.1), dbSNP rs994951294, ClinGen allele CA140435041.

ClinVar aggregate classification (germline): Uncertain significance (1 of 4 stars; one submission).

Allele frequency attached by ClinVar (database versions not stated): TOPMed 0.00001; gnomAD 0.00003; 1000 Genomes Project 30x 0.00031.

Submission:

Labcorp Genetics (formerly Invitae), Labcorp
Classification: Uncertain significance. Last evaluated: 2022-06-20. Review status: criteria provided, single submitter. Criteria: Invitae Variant Classification Sherloc (09022015). Collection method: clinical testing. Allele origin: germline.
Comment: This variant occurs in a non-coding region of the EYS gene. It does not change the encoded amino acid sequence of the EYS protein. This variant is not present in population databases (gnomAD no frequency). This variant has not been reported in the literature in individuals affected with EYS-related conditions. In summary, the available evidence is currently insufficient to determine the role of this variant in disease. Therefore, it has been classified as a Variant of Uncertain Significance.